The following is an entry in ClinVar:

NM_000208.4(INSR):c.1584G>A (p.Leu528=)

Gene: INSR (insulin receptor; minus strand). Cytogenetic location: 19p13.2.
Variant type: single nucleotide variant.
Coding change: c.1584G>A on transcript NM_000208.4 (MANE Select); coding-DNA position 1584, G replaced by A.
Protein change: p.Leu528=; no amino-acid change (leucine 528 retained).
Molecular consequence: synonymous variant.
Genome position (GRCh38, 1-based): chr19:7,167,994, C>T on the plus strand (G>A on the coding strand, the complement: INSR is on the minus strand). VCF-style: chr19-7167994-C-T. GRCh37 (hg19) VCF-style: chr19-7168005-C-T.
Other names: c.1584G>A, p.Leu528= (NM_001079817.3).
Identifiers: ClinVar variation 760226 (VCV000760226.10), dbSNP rs145334760, ClinGen allele CA9135805.
Genomic context (GRCh38, chr19:7,167,994, plus strand): 5'-GCCTCCTCAGCGTCTCTCTAACTCTTCTACTTACGCCTCTTTGTAGAACAGCATGAACCC[C>T]AAGAGGTCTCGGAAGTCGGGGGGCCAGTACGGCTCCCATCTCAGCAAGATCTTGTCAAAA-3'
Protein context (NP_000199.2, residues 518-538): PYWPPDFRDL[Leu528=]GFMLFYKEAP

ClinVar aggregate classification (germline): Benign. Review status: criteria provided, single submitter (1 of 4 stars). 3 submissions from 3 submitters: Benign (1). 2 of the submissions do not count toward it. Last evaluated 2025-12-17.

Conditions:
INSR-related disorder.

Allele frequency attached by ClinVar (database versions not stated): gnomAD exomes 0.00005 and 0.00012; ExAC 0.00010; 1000 Genomes Project 30x 0.00031; 1000 Genomes Project 0.00040; ESP Exome Variant Server 0.00046; gnomAD 0.00046 and 0.00048; TOPMed 0.00060.
gnomAD v4.1: 138 of 1,614,104 alleles (0.0085%); highest among the groups gnomAD compares: African/African-American, 0.16%; 1 homozygote.

Submissions (3):

Labcorp Genetics (formerly Invitae), Labcorp
Classification: Benign. Last evaluated: 2025-12-17. Review status: criteria provided, single submitter. Criteria: Invitae Variant Classification Sherloc (09022015). Collection method: clinical testing. Allele origin: germline.

PreventionGenetics, part of Exact Sciences
Classification: Likely benign for INSR-related condition. Last evaluated: 2024-01-04. Review status: no assertion criteria provided. Collection method: clinical testing. Allele origin: germline. Not counted in ClinVar's aggregate classification.
Comment: This variant is classified as likely benign based on ACMG/AMP sequence variant interpretation guidelines (Richards et al. 2015 PMID: 25741868, with internal and published modifications).

Genetic Services Laboratory, University of Chicago
Classification: Likely benign. Last evaluated: 2022-12-29. Review status: no assertion criteria provided. Collection method: clinical testing. Allele origin: germline. Affected: no. Not counted in ClinVar's aggregate classification.